The following is an entry in ClinVar:

NM_000059.4(BRCA2):c.341A>G (p.His114Arg)

Gene: BRCA2 (BRCA2 DNA repair associated; plus strand). Cytogenetic location: 13q13.1.
Variant type: single nucleotide variant.
Coding change: c.341A>G on transcript NM_000059.4 (MANE Select); coding-DNA position 341, A replaced by G.
Protein change: p.His114Arg; replaces histidine 114 with arginine.
Molecular consequence: missense variant.
Genome position (GRCh38, 1-based): chr13:32,325,100, A>G. VCF-style: chr13-32325100-A-G. GRCh37 (hg19) VCF-style: chr13-32899237-A-G.
Other names: short protein forms H114R.
Identifiers: ClinVar variation 51460 (VCV000051460.30), dbSNP rs80358586, ClinGen allele CA017983.
Genomic context (GRCh38, chr13:32,325,100, plus strand): 5'-TATATACATTCTCACTGAATTATTGTACTGTTTCAGGAAGGAATGTTCCCAATAGTAGAC[A>G]TAAAAGTCTTCGCACAGTGAAAACTAAAATGGATCAAGCAGATGATGTTTCCTGTCCACT-3'
Protein context (NP_000050.3, residues 104-124): DLGRNVPNSR[His114Arg]KSLRTVKTKM

ClinVar aggregate classification (germline): Conflicting classifications of pathogenicity. Review status: criteria provided, conflicting classifications (1 of 4 stars). 9 submissions from 9 submitters: Uncertain significance (5); Likely benign (2). 2 of the submissions do not count toward it. Last evaluated 2025-09-10.

Conditions:
Hereditary breast ovarian cancer syndrome. Also called: Hereditary breast and ovarian cancer syndrome; Hereditary breast and ovarian cancer; Hereditary breast and ovarian cancer syndrome (HBOC); Breast and ovarian cancer; Hereditary breast and/or ovarian cancer syndrome; BRCA1- and BRCA2-Associated Hereditary Breast and Ovarian Cancer. Identifiers: Orphanet 145, MedGen C0677776, MeSH D061325, MONDO:0003582. Disease mechanism: loss of function.
Hereditary cancer-predisposing syndrome. Also called: Neoplastic Syndromes, Hereditary; Tumor predisposition; Hereditary Cancer Syndrome; Hereditary neoplastic syndrome. Identifiers: Orphanet 140162, MedGen C0027672, MeSH D009386, MONDO:0015356.
Breast-ovarian cancer, familial, susceptibility to, 2 (BROVCA2). Also called: BRCA2 Hereditary Breast and Ovarian Cancer. Identifiers: Orphanet 145, MedGen C2675520, MONDO:0012933, OMIM 612555. Disease mechanism: loss of function.

Allele frequency attached by ClinVar (database versions not stated): TOPMed 0.00001; gnomAD exomes 0.00003 and 0.00011; ESP Exome Variant Server 0.00008; ExAC 0.00020.
gnomAD v4.1: 60 of 1,600,786 alleles (0.0037%); highest among the groups gnomAD compares: Non-Finnish European, 0.0027%; 1 homozygote.

Submissions (9):

Women's Health and Genetics/Laboratory Corporation of America, LabCorp
Classification: Uncertain significance. Last evaluated: 2025-09-10. Review status: criteria provided, single submitter. Criteria: LabCorp Variant Classification Summary - May 2015. Collection method: clinical testing. Allele origin: germline.
Comment: Variant summary: BRCA2 c.341A>G (p.His114Arg) results in a non-conservative amino acid change in the encoded protein sequence. Algorithms developed to predict the effect of missense changes on protein structure and function are either unavailable or do not agree on the potential impact of this missense change. The variant allele was found at a frequency of 0.00011 in 251014 control chromosomes in the gnomAD database, including 1 homozygotes. This frequency is not significantly higher than estimated for disease-causing variants in BRCA2, allowing no conclusion about variant significance. c.341A>G has been observed in individual(s) affected with Hereditary Breast And Ovarian Cancer Syndrome and melanomas (Haffty_AO_2009). In a large study evaluating breast cancer cases and controls in the Breast Cancer Association Consortium (BCAC), the variant was reported in 5/60466 cases and 4/53461 controls (Dorling_2021 through LOVD). These report(s) do not provide unequivocal conclusions about association of the variant with Hereditary Breast And Ovarian Cancer Syndrome. To our knowledge, no experimental evidence demonstrating an impact on protein function has been reported. The following publications have been ascertained in the context of this evaluation (PMID: 19491284, 40072281, 37060015, 33471991). ClinVar contains an entry for this variant (Variation ID: 51460). Based on the evidence outlined above, the variant was classified as uncertain significance.

Labcorp Genetics (formerly Invitae), Labcorp
Classification: Likely benign for Hereditary breast ovarian cancer syndrome. Last evaluated: 2025-09-03. Review status: criteria provided, single submitter. Criteria: Invitae Variant Classification Sherloc (09022015). Collection method: clinical testing. Allele origin: germline.

Color Diagnostics, LLC DBA Color Health
Classification: Uncertain significance for Hereditary cancer-predisposing syndrome. Last evaluated: 2025-01-24. Review status: criteria provided, single submitter. Criteria: ACMG Guidelines, 2015. Collection method: clinical testing. Allele origin: germline.
Comment: This missense variant replaces histidine with arginine at codon 114 of the BRCA2 protein. Computational prediction suggests that this variant may not impact protein structure and function. To our knowledge, functional studies have not been reported for this variant. This variant has been reported in two individuals affected with breast cancer (PMID: 19491284, 37060015), and it has been detected in a breast cancer case-control meta-analysis in 5/60466 cases and 4/53461 unaffected individuals (PMID: 33471991; Leiden Open Variation Database DB-ID BRCA2_001948). Multifactorial analyses have reported likelihood ratios (LRs) reaching a combined LR = 0.5302 based on personal and family history for 4 carriers and co-occurrence with a pathogenic variant (PMID: 31131967, 31853058). This variant has been identified in 27/251014 chromosomes in the general population by the Genome Aggregation Database (gnomAD). The available evidence is insufficient to determine the role of this variant in disease conclusively. Therefore, this variant is classified as a Variant of Uncertain Significance.

Quest Diagnostics Nichols Institute San Juan Capistrano
Classification: Uncertain significance. Last evaluated: 2024-07-26. Review status: criteria provided, single submitter. Criteria: Quest Diagnostics criteria. Collection method: clinical testing. Allele origin: unknown.
Comment: The BRCA2 c.341A>G (p.His114Arg) variant has been reported in the published literature in breast cancer cases (PMIDs: 33471991 (2021), 37060015 (2023)), including early-onset (PMID: 19491284 (2009)), as well as reportedly healthy individuals (PMID: 33471991 (2021)). The frequency of this variant in the general population, 0.00054 (14/25950 chromosomes in Swedish subpopulation (Genome Aggregation Database)), is higher than would generally be expected for pathogenic variants in this gene. Analysis of this variant using bioinformatics tools for the prediction of the effect of amino acid changes on protein structure and function yielded predictions that this variant is benign. Based on the available information, we are unable to determine the clinical significance of this variant.

All of Us Research Program, National Institutes of Health
Classification: Uncertain significance for Breast-ovarian cancer, familial, susceptibility to, 2. Last evaluated: 2023-12-01. Review status: criteria provided, single submitter. Criteria: ACMG Guidelines, 2015. Collection method: clinical testing. Allele origin: germline. Inheritance: Autosomal dominant inheritance. Observed: 3 variant alleles, 3 heterozygotes.
Comment: This missense variant replaces histidine with arginine at codon 114 of the BRCA2 protein. Computational prediction suggests that this variant may not impact protein structure and function (internally defined REVEL score threshold <= 0.5, PMID: 27666373). To our knowledge, functional studies have not been reported for this variant. This variant has been reported in an individual affected with breast cancer (PMID: 19491284) and in a breast cancer case-control meta-analysis in 5/60463 cases and 4/53461 unaffected individuals (PMID: 33471991; Leiden Open Variation Database DB-ID BRCA2_001948). A multifactorial analysis also has reported co-occurrence and family history likelihood ratios for pathogenicity of 1.0498 and 0.5618, respectively (PMID: 31131967). This variant has been identified in 27/251014 chromosomes in the general population by the Genome Aggregation Database (gnomAD). The available evidence is insufficient to determine the role of this variant in disease conclusively. Therefore, this variant is classified as a Variant of Uncertain Significance.

This study involves interpretation of variants in research participants for the purpose of population health screening. Participant phenotype was not available at the time of variant classification. Additional details can be found in publication PMID: 35346344, PMCID: PMC8962531

Ambry Genetics
Classification: Likely benign for Hereditary cancer-predisposing syndrome. Last evaluated: 2020-06-18. Review status: criteria provided, single submitter. Criteria: Ambry Variant Classification Scheme 2023. Collection method: clinical testing. Allele origin: germline.

GeneDx
Classification: Uncertain significance. Last evaluated: 2018-05-04. Review status: criteria provided, single submitter. Criteria: GeneDx Variant Classification (06012015). Collection method: clinical testing. Allele origin: germline. Affected: yes.
Comment: This variant is denoted BRCA2 c.341A>G at the cDNA level, p.His114Arg (H114R) at the protein level, and results in the change of a Histidine to an Arginine (CAT>CGT). Using alternate nomenclature, this variant would be defined as BRCA2 569A>G. This variant was observed in at least one woman with early onset breast cancer (Haffty 2009). BRCA2 His114Arg was observed at an allele frequency of 0.04% (8/22,204) in individuals of Finnish ancestry in large population cohorts (Lek 2016). This variant is not located in a known functional domain. In silico analysis, which includes protein predictors and evolutionary conservation, supports that this variant does not alter protein structure/function. Based on currently available evidence, it is unclear whether BRCA2 His114Arg is a pathogenic or benign variant. We consider it to be a variant of uncertain significance.

BRCAlab, Lund University
Classification: Uncertain significance for Breast-ovarian cancer, familial, susceptibility to, 2. Last evaluated: 2020-03-02. Review status: no assertion criteria provided. Collection method: clinical testing. Allele origin: germline. Affected: yes. Not counted in ClinVar's aggregate classification.

Breast Cancer Information Core (BIC) (BRCA2)
Classification: Uncertain significance for Breast-ovarian cancer, familial 2. Last evaluated: 2004-02-20. Review status: no assertion criteria provided. Collection method: clinical testing. Allele origin: germline. Affected: yes. Observed: 2 variant alleles. Not counted in ClinVar's aggregate classification.

Literature cited by the submitters: PubMed 19491284 (cited by 5 submitters); PubMed 33471991 (cited by 4 submitters); PubMed 40072281 (cited by Women's Health and Genetics/Laboratory Corporation of America, LabCorp); PubMed 37060015 (cited by 3 submitters); PubMed 31131967 (cited by Color Diagnostics, LLC DBA Color Health and All of Us Research Program, National Institutes of Health); PubMed 31853058 (cited by Color Diagnostics, LLC DBA Color Health and Quest Diagnostics Nichols Institute San Juan Capistrano); PubMed 30702160 (cited by Quest Diagnostics Nichols Institute San Juan Capistrano); PubMed 31911673 (cited by Quest Diagnostics Nichols Institute San Juan Capistrano); PubMed 29884841 (cited by Quest Diagnostics Nichols Institute San Juan Capistrano).